The following is an entry in ClinVar:

ClinVar aggregate classification (germline): Uncertain significance (1 of 4 stars; one submission).

Conditions:
Farber lipogranulomatosis (FRBRL). Also called: Farber's lipogranulomatosis; Farber's disease; Farber disease; AC DEFICIENCY; ACID CERAMIDASE DEFICIENCY; CERAMIDASE DEFICIENCY. Identifiers: Orphanet 333, MedGen C0268255, MONDO:0009218, OMIM 228000.

Allele frequency attached by ClinVar (database versions not stated): gnomAD exomes below 0.00001; TOPMed below 0.00001.

Submission:

Neuberg Centre For Genomic Medicine, NCGM
Classification: Uncertain significance for Farber lipogranulomatosis. Review status: criteria provided, single submitter. Criteria: ACMG Guidelines, 2015. Collection method: clinical testing. Allele origin: germline. Inheritance: Autosomal recessive inheritance. Affected: yes.
Comment: The missense variant in c.77C>T (p.Pro26Leu) in ASAH1 gene has not been reported previously as a pathogenic variant nor as a benign variant, to our knowledge. The p.Pro26Leu variant is novel (not in any individuals) in gnomAD Exomes and 1000 Genomes. The amino acid Pro at position 26 is changed to a Leu changing protein sequence and it might alter its composition and physico-chemical properties. For these reasons, this variant has been classified as Uncertain Significance (VUS).

NM_177924.5(ASAH1):c.77C>T (p.Pro26Leu)

Gene: ASAH1 (N-acylsphingosine amidohydrolase 1; minus strand). Cytogenetic location: 8p22.
Variant type: single nucleotide variant.
Coding change: c.77C>T on transcript NM_177924.5 (MANE Select); coding-DNA position 77, C replaced by T.
Protein change: p.Pro26Leu; replaces proline 26 with leucine.
Molecular consequence: missense variant. On other transcripts: intron variant (2).
Genome position (GRCh38, 1-based): chr8:18,083,982, G>A on the plus strand (C>T on the coding strand, the complement: ASAH1 is on the minus strand). VCF-style: chr8-18083982-G-A. GRCh37 (hg19) VCF-style: chr8-17941491-G-A.
Other names: c.126+694C>T (NM_004315.6, NM_001127505.3); short protein forms P26L.
Identifiers: ClinVar variation 2585594 (VCV002585594.1), dbSNP rs886039750, ClinGen allele CA370435699.